The following is an entry in ClinVar:

ClinVar aggregate classification (germline): Benign (0 of 4 stars; one submission).

Conditions:
CEP170B-related disorder. Also called: CEP170B-related condition.

Allele frequency attached by ClinVar (database versions not stated): TOPMed 0.00050; gnomAD 0.00100; gnomAD exomes 0.00162; ExAC 0.00344; 1000 Genomes Project 30x 0.00609; 1000 Genomes Project 0.00679.
gnomAD v4.1: 2,449 of 1,542,952 alleles (0.16%); highest among the groups gnomAD compares: South Asian, 2.4%; 51 homozygotes.

Submission:

PreventionGenetics, part of Exact Sciences
Classification: Benign for CEP170B-related condition. Last evaluated: 2019-12-09. Review status: no assertion criteria provided. Collection method: clinical testing. Allele origin: germline.
Comment: This variant is classified as benign based on ACMG/AMP sequence variant interpretation guidelines (Richards et al. 2015 PMID: 25741868, with internal and published modifications).

NM_001112726.3(CEP170B):c.2435C>T (p.Pro812Leu)

Gene: CEP170B (centrosomal protein 170B; plus strand). Cytogenetic location: 14q32.33.
Variant type: single nucleotide variant.
Coding change: c.2435C>T on transcript NM_001112726.3 (MANE Select); coding-DNA position 2435, C replaced by T.
Protein change: p.Pro812Leu; replaces proline 812 with leucine.
Molecular consequence: missense variant.
Genome position (GRCh38, 1-based): chr14:104,886,674, C>T. VCF-style: chr14-104886674-C-T. GRCh37 (hg19) VCF-style: chr14-105353011-C-T.
Other names: c.2225C>T, p.Pro742Leu (NM_015005.3); short protein forms P742L, P812L.
Identifiers: ClinVar variation 3033711 (VCV003033711.2), dbSNP rs139204103, ClinGen allele CA7375859.